The following is an entry in ClinVar:

NM_003072.5(SMARCA4):c.2616+8G>A

Gene: SMARCA4 (SWI/SNF related BAF chromatin remodeling complex subunit ATPase 4; plus strand). Cytogenetic location: 19p13.2.
Variant type: single nucleotide variant.
Coding change: c.2616+8G>A on transcript NM_003072.5 (MANE Select); 8 bases into the intron after coding-DNA position 2616, G replaced by A.
Molecular consequence: intron variant.
Genome position (GRCh38, 1-based): chr19:11,019,709, G>A. VCF-style: chr19-11019709-G-A. GRCh37 (hg19) VCF-style: chr19-11130385-G-A.
Other names: c.2616+8G>A (NM_001128844.3, NM_001128849.3, NM_001128847.4 and 5 more transcripts).
Identifiers: ClinVar variation 415072 (VCV000415072.12), dbSNP rs751138896, ClinGen allele CA9204169.
Genomic context (GRCh38, chr19:11,019,709, plus strand): 5'-TCTTGCTGACGACGTACGAGTACATCATCAAAGACAAGCACATCCTCGCCAAGGTAACGT[G>A]TCCCTGTGGGAAATGCCAGGCCATGGGCCGAGTGCTCACACGTGGGTCACGCTGCCCGTC-3'

ClinVar aggregate classification (germline): Likely benign. Review status: criteria provided, multiple submitters, no conflicts (2 of 4 stars). 2 submissions from 2 submitters: Likely benign (2). Last evaluated 2026-07-07.

Conditions:
Rhabdoid tumor predisposition syndrome 2 (RTPS2). Identifiers: Orphanet 231108, Orphanet 69077, MedGen C2750074, MONDO:0013224, OMIM 613325.

Allele frequency attached by ClinVar (database versions not stated): ExAC 0.00001; gnomAD exomes below 0.00001 and 0.00001; gnomAD 0.00001; TOPMed 0.00001.
gnomAD v4.1: 11 of 1,595,246 alleles (0.00069%); highest among the groups gnomAD compares: Non-Finnish European, 0.00095%; no homozygotes.

Submissions (2):

Myriad Genetics, Inc.
Classification: Likely benign for Rhabdoid tumor predisposition syndrome 2. Last evaluated: 2026-07-07. Review status: criteria provided, single submitter. Criteria: Myriad Autosomal Dominant, Autosomal Recessive and X-Linked Classification Criteria (2023). Collection method: clinical testing. Allele origin: unknown.
Comment: This variant is considered likely benign. This variant is intronic and is not expected to impact mRNA splicing.

Labcorp Genetics (formerly Invitae), Labcorp
Classification: Likely benign for Rhabdoid tumor predisposition syndrome 2. Last evaluated: 2026-02-04. Review status: criteria provided, single submitter. Criteria: Invitae Variant Classification Sherloc (09022015). Collection method: clinical testing. Allele origin: germline.